The following is an entry in ClinVar:

NM_181882.3(PRX):c.25G>A (p.Glu9Lys)

Gene: PRX (periaxin; minus strand). Cytogenetic location: 19q13.2.
Variant type: single nucleotide variant.
Coding change: c.25G>A on transcript NM_181882.3 (MANE Select); coding-DNA position 25, G replaced by A.
Protein change: p.Glu9Lys; replaces glutamic acid 9 with lysine.
Molecular consequence: missense variant.
Genome position (GRCh38, 1-based): chr19:40,407,908, C>T on the plus strand (G>A on the coding strand, the complement: PRX is on the minus strand). VCF-style: chr19-40407908-C-T. GRCh37 (hg19) VCF-style: chr19-40913815-C-T.
Other names: c.25G>A, p.Glu9Lys (NM_020956.2); c.25G>A (NM_181882.2); short protein forms E9K.
Identifiers: ClinVar variation 1056570 (VCV001056570.7), dbSNP rs1020492565, ClinGen allele CA308427548.

ClinVar aggregate classification (germline): Uncertain significance. Review status: criteria provided, multiple submitters, no conflicts (2 of 4 stars). 2 submissions from 2 submitters: Uncertain significance (2). Last evaluated 2025-06-22.

Conditions:
Charcot-Marie-Tooth disease type 4. Also called: Charcot-Marie-Tooth disease, type IV; Charcot-Marie-Tooth, Type 4. Identifiers: Orphanet 64749, MedGen C4082197, MONDO:0018995.
Inborn genetic diseases. Identifiers: MedGen C0950123, MeSH D030342.

Allele frequency attached by ClinVar (database versions not stated): gnomAD exomes below 0.00001 and 0.00001; TOPMed below 0.00001; gnomAD 0.00001.
gnomAD v4.1: 10 of 1,613,520 alleles (0.00062%); highest among the groups gnomAD compares: Admixed American, 0.005%; no homozygotes.

Submissions (2):

Ambry Genetics
Classification: Uncertain significance for Inborn genetic diseases. Last evaluated: 2025-06-22. Review status: criteria provided, single submitter. Criteria: Ambry Variant Classification Scheme 2023. Collection method: clinical testing. Allele origin: germline.

Labcorp Genetics (formerly Invitae), Labcorp
Classification: Uncertain significance for Charcot-Marie-Tooth disease type 4. Last evaluated: 2022-03-05. Review status: criteria provided, single submitter. Criteria: Invitae Variant Classification Sherloc (09022015). Collection method: clinical testing. Allele origin: germline.
Comment: This sequence change replaces glutamic acid, which is acidic and polar, with lysine, which is basic and polar, at codon 9 of the PRX protein (p.Glu9Lys). This variant is present in population databases (no rsID available, gnomAD 0.004%). This variant has not been reported in the literature in individuals affected with PRX-related conditions. ClinVar contains an entry for this variant (Variation ID: 1056570). Algorithms developed to predict the effect of missense changes on protein structure and function are either unavailable or do not agree on the potential impact of this missense change (SIFT: "Deleterious"; PolyPhen-2: "Not Available"; Align-GVGD: "Class C0"). In summary, the available evidence is currently insufficient to determine the role of this variant in disease. Therefore, it has been classified as a Variant of Uncertain Significance.